The following is an entry in ClinVar:

NM_000426.4(LAMA2):c.5354A>C (p.Asp1785Ala)

Gene: LAMA2 (laminin subunit alpha 2; plus strand). Cytogenetic location: 6q22.33.
Variant type: single nucleotide variant.
Coding change: c.5354A>C on transcript NM_000426.4 (MANE Select); coding-DNA position 5354, A replaced by C.
Protein change: p.Asp1785Ala; replaces aspartic acid 1785 with alanine.
Molecular consequence: missense variant.
Genome position (GRCh38, 1-based): chr6:129,393,164, A>C. VCF-style: chr6-129393164-A-C. GRCh37 (hg19) VCF-style: chr6-129714309-A-C.
Other names: c.5354A>C, p.Asp1785Ala (NM_001079823.2); short protein forms D1785A.
Identifiers: ClinVar variation 1952433 (VCV001952433.5), dbSNP rs2482737175, ClinGen allele CA365614815.

ClinVar aggregate classification (germline): Uncertain significance (1 of 4 stars; one submission).

Conditions:
LAMA2-related muscular dystrophy (LAMA2-RD). Also called: Laminin alpha 2-related dystrophy. Identifiers: MedGen C5679788, MONDO:0100228.

gnomAD v4.1: 2 of 1,614,092 alleles (0.00012%); highest among the groups gnomAD compares: South Asian, 0.0011%; no homozygotes.

Submission:

Labcorp Genetics (formerly Invitae), Labcorp
Classification: Uncertain significance for LAMA2-related muscular dystrophy. Last evaluated: 2022-07-14. Review status: criteria provided, single submitter. Criteria: Invitae Variant Classification Sherloc (09022015). Collection method: clinical testing. Allele origin: germline.
Comment: In summary, the available evidence is currently insufficient to determine the role of this variant in disease. Therefore, it has been classified as a Variant of Uncertain Significance. Advanced modeling of protein sequence and biophysical properties (such as structural, functional, and spatial information, amino acid conservation, physicochemical variation, residue mobility, and thermodynamic stability) performed at Invitae indicates that this missense variant is not expected to disrupt LAMA2 protein function. This variant has not been reported in the literature in individuals affected with LAMA2-related conditions. This variant is not present in population databases (gnomAD no frequency). This sequence change replaces aspartic acid, which is acidic and polar, with alanine, which is neutral and non-polar, at codon 1785 of the LAMA2 protein (p.Asp1785Ala).